The following is an entry in ClinVar:

NM_145290.4(ADGRA3):c.2864C>T (p.Pro955Leu)

Gene: ADGRA3 (adhesion G protein-coupled receptor A3; minus strand). Cytogenetic location: 4p15.2.
Variant type: single nucleotide variant.
Coding change: c.2864C>T on transcript NM_145290.4 (MANE Select); coding-DNA position 2864, C replaced by T.
Protein change: p.Pro955Leu; replaces proline 955 with leucine.
Molecular consequence: missense variant.
Genome position (GRCh38, 1-based): chr4:22,388,807, G>A on the plus strand (C>T on the coding strand, the complement: ADGRA3 is on the minus strand). VCF-style: chr4-22388807-G-A. GRCh37 (hg19) VCF-style: chr4-22390430-G-A.
Other names: short protein forms P955L.
Identifiers: ClinVar variation 1348616 (VCV001348616.8), dbSNP rs2108989748, ClinGen allele CA356474678.

ClinVar aggregate classification (germline): Uncertain significance (1 of 4 stars; one submission).

Submission:

Labcorp Genetics (formerly Invitae), Labcorp
Classification: Uncertain significance. Last evaluated: 2022-09-06. Review status: criteria provided, single submitter. Criteria: Invitae Variant Classification Sherloc (09022015). Collection method: clinical testing. Allele origin: germline.
Comment: This sequence change replaces proline, which is neutral and non-polar, with leucine, which is neutral and non-polar, at codon 955 of the ADGRA3 protein (p.Pro955Leu). In summary, the available evidence is currently insufficient to determine the role of this variant in disease. Therefore, it has been classified as a Variant of Uncertain Significance. Algorithms developed to predict the effect of missense changes on protein structure and function (SIFT, PolyPhen-2, Align-GVGD) all suggest that this variant is likely to be tolerated. ClinVar contains an entry for this variant (Variation ID: 1348616). This variant has not been reported in the literature in individuals affected with ADGRA3-related conditions. This variant is not present in population databases (gnomAD no frequency).